The following is an entry in ClinVar:

NM_001267550.2(TTN):c.72992G>A (p.Arg24331His)

Genes: TTN (titin; minus strand), TTN-AS1 (TTN antisense RNA 1; plus strand). Cytogenetic location: 2q31.2.
Variant type: single nucleotide variant.
Coding change: c.72992G>A on transcript NM_001267550.2 (MANE Select); coding-DNA position 72992, G replaced by A.
Protein change: p.Arg24331His; replaces arginine 24331 with histidine.
Molecular consequence: missense variant.
Genome position (GRCh38, 1-based): chr2:178,573,140, C>T on the plus strand (G>A on the coding strand, the complement: TTN is on the minus strand). VCF-style: chr2-178573140-C-T. GRCh37 (hg19) VCF-style: chr2-179437867-C-T.
Other names: c.68069G>A, p.Arg22690His (NM_001256850.1); c.45797G>A, p.Arg15266His (NM_003319.4); c.65288G>A, p.Arg21763His (NM_133378.4); c.46172G>A, p.Arg15391His (NM_133432.3); c.46373G>A, p.Arg15458His (NM_133437.4); short protein forms R24331H, R21763H, R15266H, R22690H, R15391H, R15458H.
Identifiers: ClinVar variation 535597 (VCV000535597.21), dbSNP rs755174224, ClinGen allele CA1990428.
Genomic context (GRCh38, chr2:178,573,140, plus strand): 5'-CCATCATAGATAGGTTTATTCCAAGCGATTGAAATGGATGATCTGCTTGTATCCAGAACA[C>T]GTGGGTTACCTGGTGGTCCAGGTTTAAACACAGTGTCACAAGCCTTGTAAAATGGACTGG-3'
Protein context (NP_001254479.2, residues 24321-24341): VFKPGPPGNP[Arg24331His]VLDTSRSSIS

ClinVar aggregate classification (germline): Conflicting classifications of pathogenicity. Review status: criteria provided, conflicting classifications (1 of 4 stars). 5 submissions from 5 submitters: Uncertain significance (2); Likely benign (3). Last evaluated 2026-04-05.

Conditions:
Cardiovascular phenotype. Identifiers: MedGen CN230736.
Dilated cardiomyopathy 1G (CMD1G). Identifiers: Orphanet 154, MedGen C1858763, MONDO:0011400, OMIM 604145.
Autosomal recessive limb-girdle muscular dystrophy type 2J (LGMDR10). Also called: MUSCULAR DYSTROPHY, LIMB-GIRDLE, AUTOSOMAL RECESSIVE 10; Limb-girdle muscular dystrophy, type 2J. Identifiers: Orphanet 140922, MedGen C1837342, MONDO:0012127, OMIM 608807.
TTN-related disorder. Also called: TTN-related condition; TTN-related disease; TTN-related disorders.

Allele frequency attached by ClinVar (database versions not stated): gnomAD exomes 0.00002 and 0.00013; gnomAD 0.00006; TOPMed 0.00009; ExAC 0.00018.
gnomAD v4.1: 40 of 1,613,118 alleles (0.0025%); highest among the groups gnomAD compares: East Asian, 0.056%; no homozygotes.

Submissions (5):

PreventionGenetics, part of Exact Sciences
Classification: Likely benign for TTN-related condition. Last evaluated: 2026-04-05. Review status: criteria provided, single submitter. Criteria: ACMG Guidelines, 2015. Collection method: clinical testing. Allele origin: germline.
Comment: This variant is classified as likely benign based on ACMG/AMP sequence variant interpretation guidelines (Richards et al. 2015 PMID: 25741868, with internal and published modifications).

Labcorp Genetics (formerly Invitae), Labcorp
Classification: Likely benign for Dilated cardiomyopathy 1G; Autosomal recessive limb-girdle muscular dystrophy type 2J. Last evaluated: 2026-02-03. Review status: criteria provided, single submitter. Criteria: Invitae Variant Classification Sherloc (09022015). Collection method: clinical testing. Allele origin: germline.

Revvity Omics, Revvity
Classification: Uncertain significance. Last evaluated: 2020-03-27. Review status: criteria provided, single submitter. Criteria: ACMG Guidelines, 2015. Collection method: clinical testing. Allele origin: germline.

Ambry Genetics
Classification: Likely benign for Cardiovascular phenotype. Last evaluated: 2019-03-26. Review status: criteria provided, single submitter. Criteria: Ambry Variant Classification Scheme 2023. Collection method: clinical testing. Allele origin: germline.

Eurofins Ntd Llc (ga)
Classification: Uncertain significance. Last evaluated: 2018-09-14. Review status: criteria provided, single submitter. Criteria: EGL ClinVar v180209 classification definitions. Collection method: clinical testing. Allele origin: germline. Observed: 1 variant allele, 1 heterozygote.